The following is an entry in ClinVar:

ClinVar aggregate classification (germline): Uncertain significance (1 of 4 stars; one submission).

Submission:

Labcorp Genetics (formerly Invitae), Labcorp
Classification: Uncertain significance. Last evaluated: 2025-10-21. Review status: criteria provided, single submitter. Criteria: Invitae Variant Classification Sherloc (09022015). Collection method: clinical testing. Allele origin: germline.
Comment: This sequence change replaces arginine, which is basic and polar, with lysine, which is basic and polar, at codon 308 of the GATA5 protein (p.Arg308Lys). This variant is present in population databases (rs782458656, gnomAD 0.003%). This variant has not been reported in the literature in individuals affected with GATA5-related conditions. Invitae Evidence Modeling of protein sequence and biophysical properties (such as structural, functional, and spatial information, amino acid conservation, physicochemical variation, residue mobility, and thermodynamic stability) indicates that this missense variant is not expected to disrupt GATA5 protein function with a negative predictive value of 80%. In summary, the available evidence is currently insufficient to determine the role of this variant in disease. Therefore, it has been classified as a Variant of Uncertain Significance.

NM_080473.5(GATA5):c.923G>A (p.Arg308Lys)

Gene: GATA5 (GATA binding protein 5; minus strand). Cytogenetic location: 20q13.33.
Variant type: single nucleotide variant.
Coding change: c.923G>A on transcript NM_080473.5 (MANE Select); coding-DNA position 923, G replaced by A.
Protein change: p.Arg308Lys; replaces arginine 308 with lysine.
Molecular consequence: missense variant.
Genome position (GRCh38, 1-based): chr20:62,465,455, C>T on the plus strand (G>A on the coding strand, the complement: GATA5 is on the minus strand). VCF-style: chr20-62465455-C-T. GRCh37 (hg19) VCF-style: chr20-61040511-C-T.
Other names: short protein forms R308K.
Identifiers: ClinVar variation 4702367 (VCV004702367.1).